The following is an entry in ClinVar:

ClinVar aggregate classification (germline): Uncertain significance (1 of 4 stars; one submission).

Allele frequency attached by ClinVar (database versions not stated): ExAC 0.00002.

Submission:

Labcorp Genetics (formerly Invitae), Labcorp
Classification: Uncertain significance. Last evaluated: 2024-10-30. Review status: criteria provided, single submitter. Criteria: Invitae Variant Classification Sherloc (09022015). Collection method: clinical testing. Allele origin: germline.
Comment: This sequence change replaces leucine, which is neutral and non-polar, with phenylalanine, which is neutral and non-polar, at codon 362 of the COL8A2 protein (p.Leu362Phe). This variant is not present in population databases (gnomAD no frequency). This variant has not been reported in the literature in individuals affected with COL8A2-related conditions. ClinVar contains an entry for this variant (Variation ID: 2777709). Experimental studies and prediction algorithms are not available or were not evaluated, and the functional significance of this variant is currently unknown. In summary, the available evidence is currently insufficient to determine the role of this variant in disease. Therefore, it has been classified as a Variant of Uncertain Significance.

NM_005202.4(COL8A2):c.1084C>T (p.Leu362Phe)

Gene: COL8A2 (collagen type VIII alpha 2 chain; minus strand). Cytogenetic location: 1p34.3.
Variant type: single nucleotide variant.
Coding change: c.1084C>T on transcript NM_005202.4 (MANE Select); coding-DNA position 1084, C replaced by T.
Protein change: p.Leu362Phe; replaces leucine 362 with phenylalanine.
Molecular consequence: missense variant.
Genome position (GRCh38, 1-based): chr1:36,098,597, G>A on the plus strand (C>T on the coding strand, the complement: COL8A2 is on the minus strand). VCF-style: chr1-36098597-G-A. GRCh37 (hg19) VCF-style: chr1-36564198-G-A.
Other names: c.889C>T, p.Leu297Phe (NM_001294347.2); short protein forms L297F, L362F.
Identifiers: ClinVar variation 2777709 (VCV002777709.3), dbSNP rs778152352, ClinGen allele CA765002.